The following is an entry in ClinVar:

ClinVar aggregate classification (germline): Uncertain significance. Review status: criteria provided, multiple submitters, no conflicts (2 of 4 stars). 2 submissions from 2 submitters: Uncertain significance (2). Last evaluated 2026-07-09.

Conditions:
HYPERHOMOCYSTEINEMIA, THROMBOTIC, CBS-RELATED. Identifiers: MedGen C3150344, OMIM 236200.
Familial thoracic aortic aneurysm and aortic dissection (TAAD). Also called: Thoracic aortic aneurysms and dissections. Identifiers: Orphanet 91387, MedGen C4707243, MONDO:0019625.

Allele frequency attached by ClinVar (database versions not stated): gnomAD exomes below 0.00001.

Submissions (2):

Ambry Genetics
Classification: Uncertain significance for Familial thoracic aortic aneurysm and aortic dissection. Last evaluated: 2026-07-09. Review status: criteria provided, single submitter. Criteria: Ambry Variant Classification Scheme 2023. Collection method: clinical testing. Allele origin: germline.
Comment: The p.K25N variant (also known as c.75G>T), located in coding exon 1 of the CBS gene, results from a G to T substitution at nucleotide position 75. The lysine at codon 25 is replaced by asparagine, an amino acid with similar properties. This amino acid position is conserved. In addition, this alteration is predicted to be tolerated by in silico analysis. Based on the available evidence, the clinical significance of this variant remains unclear.

Labcorp Genetics (formerly Invitae), Labcorp
Classification: Uncertain significance for HYPERHOMOCYSTEINEMIA, THROMBOTIC, CBS-RELATED. Last evaluated: 2021-09-01. Review status: criteria provided, single submitter. Criteria: Invitae Variant Classification Sherloc (09022015). Collection method: clinical testing. Allele origin: germline.
Comment: This sequence change replaces lysine with asparagine at codon 25 of the CBS protein (p.Lys25Asn). The lysine residue is weakly conserved and there is a moderate physicochemical difference between lysine and asparagine. This variant is not present in population databases (ExAC no frequency). This variant has not been reported in the literature in individuals affected with CBS-related conditions. Algorithms developed to predict the effect of missense changes on protein structure and function output the following: SIFT: "Tolerated"; PolyPhen-2: "Benign"; Align-GVGD: "Class C0". The asparagine amino acid residue is found in multiple mammalian species, which suggests that this missense change does not adversely affect protein function. In summary, the available evidence is currently insufficient to determine the role of this variant in disease. Therefore, it has been classified as a Variant of Uncertain Significance.

NM_000071.3(CBS):c.75G>T (p.Lys25Asn)

Gene: CBS (cystathionine beta-synthase; minus strand). Cytogenetic location: 21q22.3.
Variant type: single nucleotide variant.
Coding change: c.75G>T on transcript NM_000071.3 (MANE Select); coding-DNA position 75, G replaced by T.
Protein change: p.Lys25Asn; replaces lysine 25 with asparagine.
Molecular consequence: missense variant.
Genome position (GRCh38, 1-based): chr21:43,072,119, C>A on the plus strand (G>T on the coding strand, the complement: CBS is on the minus strand). VCF-style: chr21-43072119-C-A. GRCh37 (hg19) VCF-style: chr21-44492229-C-A.
Other names: c.75G>T, p.Lys25Asn (NM_001178008.3, NM_001178009.3, NM_001320298.2); c.75G>T (NM_000071.2); short protein forms K25N.
Identifiers: ClinVar variation 1392480 (VCV001392480.7), dbSNP rs1484147890, ClinGen allele CA410602498.